The following is an entry in ClinVar:

ClinVar aggregate classification (germline): Uncertain significance (1 of 4 stars; one submission).

Submission:

GeneDx
Classification: Uncertain significance. Last evaluated: 2020-06-19. Review status: criteria provided, single submitter. Criteria: GeneDx Variant Classification Process June 2021. Collection method: clinical testing. Allele origin: germline. Affected: yes.
Comment: Has not been previously published as pathogenic or benign to our knowledge; Not observed in large population cohorts (Lek et al., 2016); In silico analysis supports that this missense variant does not alter protein structure/function; Missense variants in this gene are often considered pathogenic (Stenson et al., 2014)

NM_002524.5(NRAS):c.394G>C (p.Glu132Gln)

Gene: NRAS (NRAS proto-oncogene, GTPase; minus strand). Cytogenetic location: 1p13.2.
Variant type: single nucleotide variant.
Coding change: c.394G>C on transcript NM_002524.5 (MANE Select); coding-DNA position 394, G replaced by C.
Protein change: p.Glu132Gln; replaces glutamic acid 132 with glutamine.
Molecular consequence: missense variant.
Genome position (GRCh38, 1-based): chr1:114,709,625, C>G on the plus strand (G>C on the coding strand, the complement: NRAS is on the minus strand). VCF-style: chr1-114709625-C-G. GRCh37 (hg19) VCF-style: chr1-115252246-C-G.
Other names: short protein forms E132Q.
Identifiers: ClinVar variation 1312812 (VCV001312812.2), dbSNP rs1456325880, ClinGen allele CA341739292.
Genomic context (GRCh38, chr1:114,709,625, plus strand): 5'-ATACCTGTCTGGTCTTGGCTGAGGTTTCAATGAATGGAATCCCGTAACTCTTGGCCAGTT[C>G]GTGGGCTTGTTTTGTATCAACTGTCCTTGTTGGCAAATCACACTTGTTTCCCACTAGCAC-3'
Protein context (NP_002515.1, residues 122-142): TRTVDTKQAH[Glu132Gln]LAKSYGIPFI